The following is an entry in ClinVar:

NC_000013.11:g.76991974G>C

Gene: CLN5 (CLN5 lysosomal BMP synthase; plus strand). Cytogenetic location: 13q22.3.
Variant type: single nucleotide variant.
Genome position: GRCh38 VCF-style: chr13-76991974-G-C. GRCh37 (hg19) VCF-style: chr13-77566109-G-C.
Identifiers: ClinVar variation 1430492 (VCV001430492.3), dbSNP rs1037355085, ClinGen allele CA252175543.

ClinVar aggregate classification (germline): Uncertain significance (1 of 4 stars; one submission).

Conditions:
Neuronal ceroid lipofuscinosis. Also called: Neuronal Ceroid Lipofuscinoses. Identifiers: Orphanet 216, Orphanet 79263, MedGen C0027877, MONDO:0016295. Disease mechanism: loss of function.

Submission:

Labcorp Genetics (formerly Invitae), Labcorp
Classification: Uncertain significance for Neuronal ceroid lipofuscinosis. Last evaluated: 2022-03-22. Review status: criteria provided, single submitter. Criteria: Invitae Variant Classification Sherloc (09022015). Collection method: clinical testing. Allele origin: germline.
Comment: This sequence change replaces glycine, which is neutral and non-polar, with alanine, which is neutral and non-polar, at codon 8 of the CLN5 protein (p.Gly8Ala). This variant is not present in population databases (gnomAD no frequency). This variant has not been reported in the literature in individuals affected with CLN5-related conditions. Algorithms developed to predict the effect of missense changes on protein structure and function are either unavailable or do not agree on the potential impact of this missense change (SIFT: "Tolerated"; PolyPhen-2: "Not Available"; Align-GVGD: "Class C0"). In summary, the available evidence is currently insufficient to determine the role of this variant in disease. Therefore, it has been classified as a Variant of Uncertain Significance.